The following is an entry in ClinVar:

ClinVar aggregate classification (germline): Uncertain significance. Review status: criteria provided, multiple submitters, no conflicts (2 of 4 stars). 2 submissions from 2 submitters: Uncertain significance (2). Last evaluated 2025-07-27.

Conditions:
Progressive microcephaly-seizures-cortical blindness-developmental delay syndrome. Also called: Seizures, cortical blindness, and microcephaly syndrome. Identifiers: Orphanet 477814, MedGen C5567650, MONDO:0014714, OMIM 616632.
Autosomal dominant nonsyndromic hearing loss 1. Also called: DEAFNESS, AUTOSOMAL DOMINANT 1, WITH OR WITHOUT THROMBOCYTOPENIA; KONIGSMARK SYNDROME. Identifiers: Orphanet 90635, MedGen C1852282, MONDO:0007424, OMIM 124900.
Inborn genetic diseases. Identifiers: MedGen C0950123, MeSH D030342.

Allele frequency attached by ClinVar (database versions not stated): gnomAD exomes below 0.00001; TOPMed below 0.00001.
gnomAD v4.1: 2 of 1,612,920 alleles (0.00012%); highest among the groups gnomAD compares: Admixed American, 0.0017%; no homozygotes.

Submissions (2):

Labcorp Genetics (formerly Invitae), Labcorp
Classification: Uncertain significance for Progressive microcephaly-seizures-cortical blindness-developmental delay syndrome; Autosomal dominant nonsyndromic hearing loss 1. Last evaluated: 2025-07-27. Review status: criteria provided, single submitter. Criteria: Invitae Variant Classification Sherloc (09022015). Collection method: clinical testing. Allele origin: germline.
Comment: This sequence change replaces methionine, which is neutral and non-polar, with isoleucine, which is neutral and non-polar, at codon 275 of the DIAPH1 protein (p.Met275Ile). This variant is not present in population databases (gnomAD no frequency). This variant has not been reported in the literature in individuals affected with DIAPH1-related conditions. ClinVar contains an entry for this variant (Variation ID: 853165). Experimental studies and prediction algorithms are not available or were not evaluated, and the functional significance of this variant is currently unknown. In summary, the available evidence is currently insufficient to determine the role of this variant in disease. Therefore, it has been classified as a Variant of Uncertain Significance.

Ambry Genetics
Classification: Uncertain significance for Inborn genetic diseases. Last evaluated: 2024-11-27. Review status: criteria provided, single submitter. Criteria: Ambry Variant Classification Scheme 2023. Collection method: clinical testing. Allele origin: germline.

NM_005219.5(DIAPH1):c.825G>A (p.Met275Ile)

Gene: DIAPH1 (diaphanous related formin 1; minus strand). Cytogenetic location: 5q31.3.
Variant type: single nucleotide variant.
Coding change: c.825G>A on transcript NM_005219.5 (MANE Select); coding-DNA position 825, G replaced by A.
Protein change: p.Met275Ile; replaces methionine 275 with isoleucine.
Molecular consequence: missense variant.
Genome position (GRCh38, 1-based): chr5:141,579,196, C>T on the plus strand (G>A on the coding strand, the complement: DIAPH1 is on the minus strand). VCF-style: chr5-141579196-C-T. GRCh37 (hg19) VCF-style: chr5-140958763-C-T.
Other names: c.798G>A, p.Met266Ile (NM_001079812.3); c.825G>A, p.Met275Ile (NM_001314007.2); short protein forms M266I, M275I.
Identifiers: ClinVar variation 853165 (VCV000853165.11), dbSNP rs1562326443, ClinGen allele CA361534381.
Genomic context (GRCh38, chr5:141,579,196, plus strand): 5'-GAAACGTTCCACTTCATCCATCTCAGCTCTTTCTGTCATTGCCTCCAAAACCCTTTCATT[C>T]CTGCCCAAGAGAAAGGAAACGGAGAGAACTTTCCAGGTACTGTGACACGGACACGTATAA-3'
Protein context (NP_005210.3, residues 265-285): ALCILPQPED[Met275Ile]NERVLEAMTE